The following is an entry in ClinVar:

ClinVar aggregate classification (germline): Uncertain significance (1 of 4 stars; one submission).

Conditions:
Familial adenomatous polyposis 1 (FAP1). Also called: FAMILIAL ADENOMATOUS POLYPOSIS 1, ATTENUATED; POLYPOSIS, ADENOMATOUS INTESTINAL. Identifiers: MedGen C2713442, MONDO:0021056, OMIM 175100. Disease mechanism: loss of function.

Submission:

Labcorp Genetics (formerly Invitae), Labcorp
Classification: Uncertain significance for Familial adenomatous polyposis 1. Last evaluated: 2024-02-05. Review status: criteria provided, single submitter. Criteria: Invitae Variant Classification Sherloc (09022015). Collection method: clinical testing. Allele origin: germline.
Comment: This sequence change replaces alanine, which is neutral and non-polar, with glycine, which is neutral and non-polar, at codon 381 of the APC protein (p.Ala381Gly). This variant is not present in population databases (gnomAD no frequency). This variant has not been reported in the literature in individuals affected with APC-related conditions. Advanced modeling of protein sequence and biophysical properties (such as structural, functional, and spatial information, amino acid conservation, physicochemical variation, residue mobility, and thermodynamic stability) performed at Invitae indicates that this missense variant is not expected to disrupt APC protein function with a negative predictive value of 95%. In summary, the available evidence is currently insufficient to determine the role of this variant in disease. Therefore, it has been classified as a Variant of Uncertain Significance.

NM_000038.6(APC):c.1142C>G (p.Ala381Gly)

Gene: APC (APC regulator of Wnt signaling pathway; plus strand). Cytogenetic location: 5q22.2.
Variant type: single nucleotide variant.
Coding change: c.1142C>G on transcript NM_000038.6 (MANE Select); coding-DNA position 1142, C replaced by G.
Protein change: p.Ala381Gly; replaces alanine 381 with glycine.
Molecular consequence: missense variant. On other transcripts: non-coding transcript variant (2), intron variant (15).
Genome position (GRCh38, 1-based): chr5:112,819,174, C>G. VCF-style: chr5-112819174-C-G. GRCh37 (hg19) VCF-style: chr5-112154871-C-G.
Other names: c.1142C>G, p.Ala381Gly (NM_001127510.3, NM_001354895.2, NM_001354896.2 and 4 more transcripts); c.1088C>G, p.Ala363Gly (NM_001127511.3); c.1172C>G, p.Ala391Gly (NM_001354897.2, NM_001407446.1); c.1067C>G, p.Ala356Gly (NM_001354898.2, NM_001407451.1); c.1058C>G, p.Ala353Gly (NM_001354899.2, NM_001407452.1); c.965C>G, p.Ala322Gly (NM_001354900.2, NM_001354901.2, NM_001407453.1); c.293C>G, p.Ala98Gly (NM_001354906.2, NM_001407470.1); c.85-95C>G (NM_001407472.1, NM_001407471.1); and 5 more; short protein forms A322G, A391G, A98G, A353G, A356G, A381G, A363G.
Identifiers: ClinVar variation 3635404 (VCV003635404.2).